The following is an entry in ClinVar:

ClinVar aggregate classification (germline): Uncertain significance (1 of 4 stars; one submission).

Conditions:
Becker muscular dystrophy (BMD). Also called: MUSCULAR DYSTROPHY, PSEUDOHYPERTROPHIC PROGRESSIVE, BECKER TYPE; Becker Muscular Dystrophy (BMD). Identifiers: Orphanet 98895, MedGen C0917713, MONDO:0010311, OMIM 300376.

Submission:

Laboratory of Medical Genetics, National & Kapodistrian University of Athens
Classification: Uncertain significance for Becker muscular dystrophy. Last evaluated: 2022-12-16. Review status: criteria provided, single submitter. Criteria: ACMG Guidelines, 2015. Collection method: clinical testing. Allele origin: germline. Affected: yes.
Comment: PM2,PP3

NM_004006.3(DMD):c.689T>G (p.Met230Arg)

Gene: DMD (dystrophin; minus strand). Cytogenetic location: Xp21.1.
Variant type: single nucleotide variant.
Coding change: c.689T>G on transcript NM_004006.3 (MANE Select); coding-DNA position 689, T replaced by G.
Protein change: p.Met230Arg; replaces methionine 230 with arginine.
Molecular consequence: missense variant.
Genome position (GRCh38, 1-based): chrX:32,699,254, A>C on the plus strand (T>G on the coding strand, the complement: DMD is on the minus strand). VCF-style: chrX-32699254-A-C. GRCh37 (hg19) VCF-style: chrX-32717371-A-C.
Other names: c.665T>G, p.Met222Arg (NM_000109.4); c.677T>G, p.Met226Arg (NM_004009.3); c.320T>G, p.Met107Arg (NM_004010.3); short protein forms M107R, M222R, M226R, M230R.
Identifiers: ClinVar variation 1806438 (VCV001806438.1), dbSNP rs2147606547, ClinGen allele CA412669098.